The following is an entry in ClinVar:

NM_002968.3(SALL1):c.1738A>G (p.Ile580Val)

Gene: SALL1 (spalt like transcription factor 1; minus strand). Cytogenetic location: 16q12.1.
Variant type: single nucleotide variant.
Coding change: c.1738A>G on transcript NM_002968.3 (MANE Select); coding-DNA position 1738, A replaced by G.
Protein change: p.Ile580Val; replaces isoleucine 580 with valine.
Molecular consequence: missense variant.
Genome position (GRCh38, 1-based): chr16:51,140,484, T>C on the plus strand (A>G on the coding strand, the complement: SALL1 is on the minus strand). VCF-style: chr16-51140484-T-C. GRCh37 (hg19) VCF-style: chr16-51174395-T-C.
Other names: c.1447A>G, p.Ile483Val (NM_001127892.2); short protein forms I580V, I483V.
Identifiers: ClinVar variation 633685 (VCV000633685.10), dbSNP rs761575154, ClinGen allele CA8053239.

ClinVar aggregate classification (germline): Conflicting classifications of pathogenicity. Review status: criteria provided, conflicting classifications (1 of 4 stars). 5 submissions from 5 submitters: Uncertain significance (1); Benign (1); Likely benign (2). 1 of the submissions does not count toward it. Last evaluated 2025-09-10.

Conditions:
Townes syndrome (TBS). Also called: Townes-Brocks syndrome. Identifiers: Orphanet 857, MedGen C0265246, MeSH C536974, MONDO:0007142.

Allele frequency attached by ClinVar (database versions not stated): ExAC 0.00001; gnomAD exomes 0.00001; gnomAD 0.00007 and 0.00008; TOPMed 0.00015.
gnomAD v4.1: 27 of 1,613,448 alleles (0.0017%); highest among the groups gnomAD compares: Admixed American, 0.025%; no homozygotes.

Submissions (5):

Labcorp Genetics (formerly Invitae), Labcorp
Classification: Uncertain significance for Townes syndrome. Last evaluated: 2025-09-10. Review status: criteria provided, single submitter. Criteria: Invitae Variant Classification Sherloc (09022015). Collection method: clinical testing. Allele origin: germline.
Comment: This sequence change replaces isoleucine, which is neutral and non-polar, with valine, which is neutral and non-polar, at codon 580 of the SALL1 protein (p.Ile580Val). This variant is present in population databases (rs761575154, gnomAD 0.006%). This missense change has been observed in individual(s) with SALL1-related conditions (PMID: 24429398). ClinVar contains an entry for this variant (Variation ID: 633685). Invitae Evidence Modeling of protein sequence and biophysical properties (such as structural, functional, and spatial information, amino acid conservation, physicochemical variation, residue mobility, and thermodynamic stability) indicates that this missense variant is not expected to disrupt SALL1 protein function with a negative predictive value of 80%. In summary, the available evidence is currently insufficient to determine the role of this variant in disease. Therefore, it has been classified as a Variant of Uncertain Significance.

Blueprint Genetics
Classification: Likely benign. Last evaluated: 2024-03-15. Review status: criteria provided, single submitter. Criteria: ACMG Guidelines, 2015. Collection method: clinical testing. Allele origin: germline.

Mendelics
Classification: Benign. Last evaluated: 2022-05-04. Review status: criteria provided, single submitter. Criteria: Mendelics Assertion Criteria 2019. Collection method: clinical testing. Allele origin: germline.

GeneDx
Classification: Likely benign. Last evaluated: 2021-12-22. Review status: criteria provided, single submitter. Criteria: GeneDx Variant Classification Process June 2021. Collection method: clinical testing. Allele origin: germline. Affected: yes.
Comment: Reported in two unrelated patients with vesicoureteral reflux in published literature (Hwang et al., 2014); In silico analysis supports that this missense variant does not alter protein structure/function; This variant is associated with the following publications: (PMID: 24429398)

Gharavi Laboratory, Columbia University
Classification: Uncertain significance. Last evaluated: 2018-09-16. Review status: no assertion criteria provided. Criteria: ACMG Guidelines, 2015. Collection method: research. Allele origin: germline. Affected: no. Not counted in ClinVar's aggregate classification.

Literature cited by the submitters: PubMed 24429398 (cited by Labcorp Genetics (formerly Invitae), Labcorp).